The following is an entry in ClinVar:

NM_001184.4(ATR):c.1741T>G (p.Ser581Ala)

Gene: ATR (ATR checkpoint kinase; minus strand). Cytogenetic location: 3q23.
Variant type: single nucleotide variant.
Coding change: c.1741T>G on transcript NM_001184.4 (MANE Select); coding-DNA position 1741, T replaced by G.
Protein change: p.Ser581Ala; replaces serine 581 with alanine.
Molecular consequence: missense variant.
Genome position (GRCh38, 1-based): chr3:142,558,768, A>C on the plus strand (T>G on the coding strand, the complement: ATR is on the minus strand). VCF-style: chr3-142558768-A-C. GRCh37 (hg19) VCF-style: chr3-142277610-A-C.
Other names: c.1549T>G, p.Ser517Ala (NM_001354579.2); short protein forms S517A, S581A.
Identifiers: ClinVar variation 967371 (VCV000967371.7), dbSNP rs2034775376, ClinGen allele CA354821513.
Genomic context (GRCh38, chr3:142,558,768, plus strand): 5'-AATAAATCCATGGAAGTGAGAGCATACCACATAAATCTTCCAGGATATGATCTTCAAATG[A>C]ACTGTTTACTACAGAAGCACAAAATAAGTCATTAATTATAACTTTTCCTTAATCATATCT-3'
Protein context (NP_001175.2, residues 571-591): DALIYMQVNS[Ser581Ala]FEDHILEDLC

ClinVar aggregate classification (germline): Uncertain significance (1 of 4 stars; one submission).

Allele frequency attached by ClinVar (database versions not stated): gnomAD exomes below 0.00001; TOPMed below 0.00001.
gnomAD v4.1: 3 of 1,608,270 alleles (0.00019%); highest among the groups gnomAD compares: Non-Finnish European, 0.00017%; no homozygotes.

Submission:

Labcorp Genetics (formerly Invitae), Labcorp
Classification: Uncertain significance. Last evaluated: 2019-11-16. Review status: criteria provided, single submitter. Criteria: Invitae Variant Classification Sherloc (09022015). Collection method: clinical testing. Allele origin: germline.
Comment: In summary, the available evidence is currently insufficient to determine the role of this variant in disease. Therefore, it has been classified as a Variant of Uncertain Significance. Algorithms developed to predict the effect of missense changes on protein structure and function (SIFT, PolyPhen-2, Align-GVGD) all suggest that this variant is likely to be tolerated, but these predictions have not been confirmed by published functional studies and their clinical significance is uncertain. This variant has not been reported in the literature in individuals with ATR-related conditions. This variant is not present in population databases (ExAC no frequency). This sequence change replaces serine with alanine at codon 581 of the ATR protein (p.Ser581Ala). The serine residue is weakly conserved and there is a moderate physicochemical difference between serine and alanine.